The following is an entry in ClinVar:

ClinVar aggregate classification (germline): Conflicting classifications of pathogenicity. Review status: criteria provided, conflicting classifications (1 of 4 stars). 4 submissions from 4 submitters: Likely pathogenic (2); Uncertain significance (2). Last evaluated 2024-06-05.

Conditions:
Infantile liver failure syndrome 2 (ILFS2). Identifiers: MedGen C3809651, MONDO:0014659, OMIM 616483.
Short stature-optic atrophy-Pelger-Huët anomaly syndrome. Also called: Short stature-optic atrophy-Pelger-HuC+t anomaly syndrome; Short stature, optic nerve atrophy, and Pelger-Huet anomaly. Identifiers: Orphanet 391677, MedGen C3541319, MONDO:0013889, OMIM 614800.

Submissions (4):

Fulgent Genetics
Classification: Likely pathogenic for Short stature-optic atrophy-Pelger-Huët anomaly syndrome; Infantile liver failure syndrome 2. Last evaluated: 2024-06-05. Review status: criteria provided, single submitter. Criteria: ACMG Guidelines, 2015. Collection method: clinical testing. Allele origin: germline.

Women's Health and Genetics/Laboratory Corporation of America, LabCorp
Classification: Uncertain significance. Last evaluated: 2024-06-04. Review status: criteria provided, single submitter. Criteria: LabCorp Variant Classification Summary - May 2015. Collection method: clinical testing. Allele origin: germline.
Comment: Variant summary: NBAS c.7041_7043delTCT (p.Leu2348del) results in an in-frame deletion that is predicted to remove one amino acid from the encoded protein. The variant allele was found at a frequency of 4e-06 in 251024 control chromosomes. c.7041_7043delTCT has been reported in the literature in compound heterozygous individuals affected with Liver Failure Acute Infantile, Type 2 or short stature with optic nerve atrophy and Pelger-Huet anomaly (SOPH) syndrome (Gu_2019, Li_2020, Gao_2022). These data indicate that the variant may be associated with disease. To our knowledge, no experimental evidence demonstrating an impact on protein function has been reported. The following publications have been ascertained in the context of this evaluation (PMID: 32812336, 36685964, 34396667, 32957979, 31216810). ClinVar contains an entry for this variant (Variation ID: 1469525). Based on the evidence outlined above, the variant was classified as VUS-possibly pathogenic.

Labcorp Genetics (formerly Invitae), Labcorp
Classification: Uncertain significance. Last evaluated: 2022-03-03. Review status: criteria provided, single submitter. Criteria: Invitae Variant Classification Sherloc (09022015). Collection method: clinical testing. Allele origin: germline.
Comment: In summary, the available evidence is currently insufficient to determine the role of this variant in disease. Therefore, it has been classified as a Variant of Uncertain Significance. Experimental studies and prediction algorithms are not available or were not evaluated, and the functional significance of this variant is currently unknown. This variant is also known as c.7041_7043delTCT (p.2347_2348delLLinsL). This variant has been observed in individual(s) with NBAS-related conditions and/or short stature with optic nerve atrophy and Pelger-Huet anomaly (SOPH) syndrome (PMID: 31216810, 32812336). In at least one individual the data is consistent with being in trans (on the opposite chromosome) from a pathogenic variant. This variant is present in population databases (no rsID available, gnomAD 0.004%). This variant, c.7041_7043del, results in the deletion of 1 amino acid(s) of the NBAS protein (p.Leu2348del), but otherwise preserves the integrity of the reading frame.

CeGaT Center for Human Genetics Tuebingen
Classification: Likely pathogenic. Last evaluated: 2022-03-01. Review status: criteria provided, single submitter. Criteria: CeGaT Center For Human Genetics Tuebingen Variant Classification Criteria Version 2. Collection method: clinical testing. Allele origin: germline. Affected: yes. Observed: 1 variant allele.

Literature cited by the submitters: PubMed 32812336 (cited by Women's Health and Genetics/Laboratory Corporation of America, LabCorp and Labcorp Genetics (formerly Invitae), Labcorp); PubMed 36685964 (cited by Women's Health and Genetics/Laboratory Corporation of America, LabCorp); PubMed 34396667 (cited by Women's Health and Genetics/Laboratory Corporation of America, LabCorp); PubMed 31216810 (cited by Women's Health and Genetics/Laboratory Corporation of America, LabCorp and Labcorp Genetics (formerly Invitae), Labcorp); PubMed 32957979 (cited by Women's Health and Genetics/Laboratory Corporation of America, LabCorp).

NM_015909.4(NBAS):c.7041_7043del (p.Leu2348del)

Gene: NBAS (NBAS subunit of NRZ tethering complex; minus strand). Cytogenetic location: 2p24.3.
Variant type: Deletion.
Coding change: c.7041_7043del on transcript NM_015909.4 (MANE Select); coding-DNA positions 7041 to 7043, 3 bases deleted (TCT; older notation c.7041_7043delTCT).
Protein change: p.Leu2348del; deletes leucine 2348.
Molecular consequence: inframe deletion. On other transcripts: non-coding transcript variant (1).
Genome position (GRCh38, 1-based): chr2:15,167,121-15,167,123, AGA deleted on the plus strand (TCT on the coding strand, the reverse complement: NBAS is on the minus strand); deleting any 3 consecutive bases within chr2:15,167,121-15,167,125 gives the same sequence; the c. name uses the placement nearest the transcript's 3' end. VCF-style (leftmost placement, unchanged base first): chr2-15167120-CAGA-C. GRCh37 (hg19) VCF-style: chr2-15307244-CAGA-C.
Other names: c.7041_7043delTCT (NM_015909.4); short protein forms L2348del.
Identifiers: ClinVar variation 1469525 (VCV001469525.43), dbSNP rs1485416933, ClinGen allele CA531315858.